The following is an entry in ClinVar:

ClinVar aggregate classification (germline): Uncertain significance. Review status: criteria provided, multiple submitters, no conflicts (2 of 4 stars). 4 submissions from 4 submitters: Uncertain significance (4). Last evaluated 2026-06-06.

Conditions:
TTR-related disorder. Also called: TTR-related disorders; TTR-related condition.
Cardiovascular phenotype. Identifiers: MedGen CN230736.
Amyloidosis, hereditary systemic 1 (AMYLD1). Also called: Familial amyloid polyneuropathy; AMYLOID CARDIOMYOPATHY; Hereditary Transthyretin Amyloidosis; Isolated Cardiac Amyloidosis; Amyloid Cardiomyopathy, Transthyretin-related; Transthyretin Amyloidosis. Identifiers: Orphanet 85447, Orphanet 85451, MedGen C2751492, MONDO:0971004, OMIM 105210.
Hyperthyroxinemia, dystransthyretinemic. Also called: HYPERTHYROXINEMIA, DYSPREALBUMINEMIC; EUTHRYROIDAL HYPERTHYROXINEMIA 2. Identifiers: MedGen C2750824, MONDO:0007785, OMIM 145680.
Carpal tunnel syndrome 1 (CTS1). Also called: Carpal tunnel syndrome, familial. Identifiers: MedGen C5779776, MONDO:0020730, OMIM 115430.

Allele frequency attached by ClinVar (database versions not stated): gnomAD 0.00001; TOPMed 0.00001.
gnomAD v4.1: 1 of 1,614,030 alleles (0.000062%); highest among the groups gnomAD compares: African/African-American, 0.0013%; no homozygotes.

Submissions (4):

PreventionGenetics, part of Exact Sciences
Classification: Uncertain significance for TTR-related condition. Last evaluated: 2026-06-06. Review status: criteria provided, single submitter. Criteria: ACMG Guidelines, 2015. Collection method: clinical testing. Allele origin: germline.
Comment: The TTR c.314C>T variant is predicted to result in the amino acid substitution p.Ser105Phe. To our knowledge, this variant has not been reported in the literature or in a large population database (gnomAD), indicating this variant is rare. At this time, the clinical significance of this variant is uncertain due to the absence of conclusive functional and genetic evidence.

Labcorp Genetics (formerly Invitae), Labcorp
Classification: Uncertain significance for Amyloidosis, hereditary systemic 1. Last evaluated: 2024-11-06. Review status: criteria provided, single submitter. Criteria: Invitae Variant Classification Sherloc (09022015). Collection method: clinical testing. Allele origin: germline.
Comment: This sequence change replaces serine, which is neutral and polar, with phenylalanine, which is neutral and non-polar, at codon 105 of the TTR protein (p.Ser105Phe). This variant is not present in population databases (gnomAD no frequency). This variant has not been reported in the literature in individuals affected with TTR-related conditions. ClinVar contains an entry for this variant (Variation ID: 1366051). Invitae Evidence Modeling of protein sequence and biophysical properties (such as structural, functional, and spatial information, amino acid conservation, physicochemical variation, residue mobility, and thermodynamic stability) indicates that this missense variant is expected to disrupt TTR protein function with a positive predictive value of 80%. In summary, the available evidence is currently insufficient to determine the role of this variant in disease. Therefore, it has been classified as a Variant of Uncertain Significance.

Ambry Genetics
Classification: Uncertain significance for Cardiovascular phenotype. Last evaluated: 2023-09-20. Review status: criteria provided, single submitter. Criteria: Ambry Variant Classification Scheme 2023. Collection method: clinical testing. Allele origin: germline.
Comment: The p.S105F variant (also known as c.314C>T), located in coding exon 3 of the TTR gene, results from a C to T substitution at nucleotide position 314. The serine at codon 105 is replaced by phenylalanine, an amino acid with highly dissimilar properties. This amino acid position is not well conserved in available vertebrate species. In addition, this alteration is predicted to be deleterious by in silico analysis. Since supporting evidence is limited at this time, the clinical significance of this alteration remains unclear.

Fulgent Genetics
Classification: Uncertain significance for Amyloidosis, hereditary systemic 1; Carpal tunnel syndrome 1; Hyperthyroxinemia, dystransthyretinemic. Last evaluated: 2022-01-13. Review status: criteria provided, single submitter. Criteria: ACMG Guidelines, 2015. Collection method: clinical testing. Allele origin: unknown.

NM_000371.4(TTR):c.314C>T (p.Ser105Phe)

Gene: TTR (transthyretin; plus strand). Cytogenetic location: 18q12.1.
Variant type: single nucleotide variant.
Coding change: c.314C>T on transcript NM_000371.4 (MANE Select); coding-DNA position 314, C replaced by T.
Protein change: p.Ser105Phe; replaces serine 105 with phenylalanine.
Molecular consequence: missense variant.
Genome position (GRCh38, 1-based): chr18:31,595,233, C>T. VCF-style: chr18-31595233-C-T. GRCh37 (hg19) VCF-style: chr18-29175196-C-T.
Other names: c.314C>T (NM_000371.3); short protein forms S105F.
Identifiers: ClinVar variation 1366051 (VCV001366051.10), dbSNP rs1322942118, ClinGen allele CA402157117.
Genomic context (GRCh38, chr18:31,595,233, plus strand): 5'-TAGAAGGGATATACAAAGTGGAAATAGACACCAAATCTTACTGGAAGGCACTTGGCATCT[C>T]CCCATTCCATGAGCATGCAGAGGTGAGTATACAGACCTTCGAGGGTTGTTTTGGTTTTGG-3'
Protein context (NP_000362.1, residues 95-115): TKSYWKALGI[Ser105Phe]PFHEHAEVVF